The following is an entry in ClinVar:

NM_007122.5(USF1):c.238G>A (p.Ala80Thr)

Gene: USF1 (upstream transcription factor 1; minus strand). Cytogenetic location: 1q23.3.
Variant type: single nucleotide variant.
Coding change: c.238G>A on transcript NM_007122.5 (MANE Select); coding-DNA position 238, G replaced by A.
Protein change: p.Ala80Thr; replaces alanine 80 with threonine.
Molecular consequence: missense variant.
Genome position (GRCh38, 1-based): chr1:161,042,154, C>T on the plus strand (G>A on the coding strand, the complement: USF1 is on the minus strand). VCF-style: chr1-161042154-C-T. GRCh37 (hg19) VCF-style: chr1-161011944-C-T.
Other names: c.238G>A, p.Ala80Thr (NM_001276373.2); c.61G>A, p.Ala21Thr (NM_207005.3); short protein forms A21T, A80T.
Identifiers: ClinVar variation 3187010 (VCV003187010.1), dbSNP rs569266971, ClinGen allele CA1203803.

ClinVar aggregate classification (germline): Uncertain significance (1 of 4 stars; one submission).

Allele frequency attached by ClinVar (database versions not stated): gnomAD exomes 0.00002; TOPMed 0.00003; gnomAD 0.00004; ExAC 0.00007; 1000 Genomes Project 30x 0.00016; 1000 Genomes Project 0.00020.

Submission:

Ambry Genetics
Classification: Uncertain significance. Last evaluated: 2023-11-29. Review status: criteria provided, single submitter. Criteria: Ambry Variant Classification Scheme 2023. Collection method: clinical testing. Allele origin: germline.
Comment: Does not currently meet published gene-disease clinical validity criteria Based on insufficient or conflicting evidence, the clinical significance of this alteration remains unclear.

Literature cited by the submitters: PubMed 28106320.